The following is an entry in ClinVar:

ClinVar aggregate classification (germline): Likely benign (1 of 4 stars; one submission).

Conditions:
Colorectal cancer, hereditary nonpolyposis, type 7. Identifiers: Orphanet 144, MedGen C1858380, MONDO:0013725, OMIM 614385.

Submission:

Myriad Genetics, Inc.
Classification: Likely benign for Colorectal cancer, hereditary nonpolyposis, type 7. Last evaluated: 2026-09-11. Review status: criteria provided, single submitter. Criteria: Myriad Autosomal Dominant, Autosomal Recessive and X-Linked Classification Criteria (2023). Collection method: clinical testing. Allele origin: unknown.
Comment: This variant is considered likely benign. This variant is intronic and is not expected to impact mRNA splicing.

NM_001040108.2(MLH3):c.3828-14G>T

Gene: MLH3 (mutL homolog 3; minus strand). Cytogenetic location: 14q24.3.
Variant type: single nucleotide variant.
Coding change: c.3828-14G>T on transcript NM_001040108.2 (MANE Select); 14 bases into the intron before coding-DNA position 3828, G replaced by T.
Molecular consequence: intron variant.
Genome position (GRCh38, 1-based): chr14:75,030,716, C>A on the plus strand (G>T on the coding strand, the complement: MLH3 is on the minus strand). VCF-style: chr14-75030716-C-A. GRCh37 (hg19) VCF-style: chr14-75497419-C-A.
Other names: c.3756-14G>T (NM_014381.3).
Identifiers: ClinVar variation 5042249 (VCV005042249.1).
Genomic context (GRCh38, chr14:75,030,716, plus strand): 5'-GAAATACAAATTCAAGGCCCAGATCTTCCAGATTTTTGTGGTAACACCTAAAGAGATAAC[C>A]TCAAATGTTAAAAAAAAAAAGAGTGCTACTTCATTTGCACTTCACTACTGGTTCCAAATA-3'